The following is an entry in ClinVar:

ClinVar aggregate classification (germline): Uncertain significance. Review status: criteria provided, multiple submitters, no conflicts (2 of 4 stars). 3 submissions from 3 submitters: Uncertain significance (2). 1 of the submissions does not count toward it. Last evaluated 2025-07-02.

Conditions:
Hereditary cancer-predisposing syndrome. Also called: Neoplastic Syndromes, Hereditary; Tumor predisposition; Hereditary neoplastic syndrome; Hereditary Cancer Syndrome. Identifiers: Orphanet 140162, MedGen C0027672, MeSH D009386, MONDO:0015356.
Prostate cancer, hereditary, 1 (HPC1). Identifiers: Orphanet 1331, MedGen C4722327, MONDO:0011098, OMIM 601518.

gnomAD v4.1: 2 of 1,613,348 alleles (0.00012%); highest among the groups gnomAD compares: Non-Finnish European, 0.000085%; no homozygotes.

Submissions (3):

Labcorp Genetics (formerly Invitae), Labcorp
Classification: Uncertain significance. Last evaluated: 2025-07-02. Review status: criteria provided, single submitter. Criteria: Invitae Variant Classification Sherloc (09022015). Collection method: clinical testing. Allele origin: germline.
Comment: This sequence change replaces alanine, which is neutral and non-polar, with proline, which is neutral and non-polar, at codon 57 of the HOXB13 protein (p.Ala57Pro). This variant is not present in population databases (gnomAD no frequency). This variant has not been reported in the literature in individuals affected with HOXB13-related conditions. ClinVar contains an entry for this variant (Variation ID: 690586). An algorithm developed to predict the effect of missense changes on protein structure and function (PolyPhen-2) suggests that this variant is likely to be tolerated. In summary, the available evidence is currently insufficient to determine the role of this variant in disease. Therefore, it has been classified as a Variant of Uncertain Significance.

Ambry Genetics
Classification: Uncertain significance for Hereditary cancer-predisposing syndrome. Last evaluated: 2023-06-08. Review status: criteria provided, single submitter. Criteria: Ambry Variant Classification Scheme 2023. Collection method: clinical testing. Allele origin: germline.
Comment: The p.A57P variant (also known as c.169G>C), located in coding exon 1 of the HOXB13 gene, results from a G to C substitution at nucleotide position 169. The alanine at codon 57 is replaced by proline, an amino acid with highly similar properties. This amino acid position is not well conserved in available vertebrate species. In addition, this alteration is predicted to be tolerated by in silico analysis. Since supporting evidence is limited at this time, the clinical significance of this alteration remains unclear.

Laboratory of Virology, Microbiology,  Quality and Medical Biotechnologies, Faculty of Sciences and Techniques - Mohammedia, Hassan II University of Casablanca
Classification: Uncertain significance for Prostate cancer, hereditary, 1. Review status: no assertion criteria provided. Collection method: clinical testing. Allele origin: somatic. Affected: yes. Not counted in ClinVar's aggregate classification.

NM_006361.6(HOXB13):c.169G>C (p.Ala57Pro)

Gene: HOXB13 (homeobox B13; minus strand). Cytogenetic location: 17q21.32.
Variant type: single nucleotide variant.
Coding change: c.169G>C on transcript NM_006361.6 (MANE Select); coding-DNA position 169, G replaced by C.
Protein change: p.Ala57Pro; replaces alanine 57 with proline.
Molecular consequence: missense variant.
Genome position (GRCh38, 1-based): chr17:48,728,425, C>G on the plus strand (G>C on the coding strand, the complement: HOXB13 is on the minus strand). VCF-style: chr17-48728425-C-G. GRCh37 (hg19) VCF-style: chr17-46805787-C-G.
Other names: short protein forms A57P.
Identifiers: ClinVar variation 690586 (VCV000690586.16), dbSNP rs745306184, ClinGen allele CA400109003.